The following is an entry in ClinVar:

ClinVar aggregate classification (germline): Conflicting classifications of pathogenicity. Review status: criteria provided, conflicting classifications (1 of 4 stars). 4 submissions from 3 submitters: Pathogenic (2); Uncertain significance (2). Last evaluated 2024-11-15.

Conditions:
Maturity-onset diabetes of the young (MODY). Also called: Maturity onset diabetes mellitus in young. Identifiers: Orphanet 552, MedGen C0342276, MONDO:0018911, HP:0004904.
Transitory neonatal diabetes mellitus. Also called: Transient neonatal diabetes mellitus. Identifiers: MedGen C0342273, MONDO:0020525, HP:0008255.
Hyperinsulinemic hypoglycemia, familial, 1 (HHF1). Also called: Persistent hyperinsulinemic hypoglycemia of infancy; NESIDIOBLASTOSIS OF PANCREAS; Persistent Hyperinsulinemia Hypoglycemia of Infancy; HYPERINSULINISM, FAMILIAL, WITH PANCREATIC NESIDIOBLASTOSIS; HYPOGLYCEMIA, HYPERINSULINEMIC, OF INFANCY. Identifiers: Orphanet 276575, Orphanet 276598, MedGen C2931832, MONDO:0009734, OMIM 256450.

Submissions (4):

Myriad Genetics, Inc.
Classification: Pathogenic for Hyperinsulinemic hypoglycemia, familial, 1. Last evaluated: 2024-11-15. Review status: criteria provided, single submitter. Criteria: Myriad Autosomal Dominant, Autosomal Recessive and X-Linked Classification Criteria (2023). Collection method: clinical testing. Allele origin: unknown.
Comment: NM_000352.3(ABCC8):c.3378delT(D1127Tfs*16) is expected to be pathogenic in the context of familial hyperinsulinism, ABCC8-related. This variant is predicted to lead to an abnormal or absent protein product due to the creation of a premature termination codon in ABCC8, a gene where loss-of-function variants are known to be pathogenic. Please note: this variant was assessed in the context of healthy population screening.

Labcorp Genetics (formerly Invitae), Labcorp
Classification: Pathogenic. Last evaluated: 2021-09-15. Review status: criteria provided, single submitter. Criteria: Invitae Variant Classification Sherloc (09022015). Collection method: clinical testing. Allele origin: germline.
Comment: For these reasons, this variant has been classified as Pathogenic. ClinVar contains an entry for this variant (Variation ID: 939893). This sequence change creates a premature translational stop signal (p.Asp1127Thrfs*16) in the ABCC8 gene. It is expected to result in an absent or disrupted protein product. Loss-of-function variants in ABCC8 are known to be pathogenic (PMID: 20685672, 23345197). This variant is not present in population databases (ExAC no frequency). This variant has not been reported in the literature in individuals affected with ABCC8-related conditions.

Clinical Genomics, Uppaluri K&H Personalized Medicine Clinic
Classification: Uncertain significance for Transitory neonatal diabetes mellitus. Review status: criteria provided, single submitter. Criteria: K & H Uppaluri Personalized Medicine Clinic Variant Classification & Assertion Criteria_Updated V.1. Collection method: research. Allele origin: somatic. Inheritance: Somatic mutation.
Comment: Mutations in ABCC8 gene are associated with both neonatal diabetes mellitus as well as MODY. Patients with this mutation may have a better response to sulfonylureas. However, no sufficient evidence is found to ascertain the role of this particular variant ( rs1954474111) in neonatal diabetes yet.

Clinical Genomics, Uppaluri K&H Personalized Medicine Clinic
Classification: Uncertain significance for Maturity-onset diabetes of the young. Review status: criteria provided, single submitter. Criteria: K & H Uppaluri Personalized Medicine Clinic Variant Classification & Assertion Criteria_Updated V.1. Collection method: research. Allele origin: somatic. Inheritance: Somatic mutation.
Comment: Mutations in ABCC8 gene are associated with both neonatal diabetes mellitus as well as MODY. Patients with this mutation may have a better response to sulfonylureas. However, no sufficient evidence is found to ascertain the role of this particular variant ( rs1954474111) in MODY yet.

Literature cited by the submitters: PubMed 20685672 (cited by Labcorp Genetics (formerly Invitae), Labcorp); PubMed 23345197 (cited by Labcorp Genetics (formerly Invitae), Labcorp); PubMed 16885549 (cited by Clinical Genomics, Uppaluri K&H Personalized Medicine Clinic); PubMed 21989597 (cited by Clinical Genomics, Uppaluri K&H Personalized Medicine Clinic); PubMed 27538677 (cited by Clinical Genomics, Uppaluri K&H Personalized Medicine Clinic); PubMed 18981553 (cited by Clinical Genomics, Uppaluri K&H Personalized Medicine Clinic); PubMed 32027066 (cited by Clinical Genomics, Uppaluri K&H Personalized Medicine Clinic); PubMed 16613899 (cited by Clinical Genomics, Uppaluri K&H Personalized Medicine Clinic); PubMed 18025408 (cited by Clinical Genomics, Uppaluri K&H Personalized Medicine Clinic); PubMed 32792356 (cited by Clinical Genomics, Uppaluri K&H Personalized Medicine Clinic).

NM_000352.6(ABCC8):c.3378del (p.Asp1127fs)

Gene: ABCC8 (ATP binding cassette subfamily C member 8; minus strand). Cytogenetic location: 11p15.1.
Variant type: Deletion.
Coding change: c.3378del on transcript NM_000352.6 (MANE Select); coding-DNA position 3378, one base deleted (T; older notation c.3378delT).
Protein change: p.Asp1127fs; shifts the reading frame from aspartic acid 1127.
Molecular consequence: frameshift variant. On other transcripts: non-coding transcript variant (1).
Genome position (GRCh38, 1-based): chr11:17,405,515, A deleted on the plus strand (T on the coding strand, the reverse complement: ABCC8 is on the minus strand). VCF-style (leftmost placement, unchanged base first): chr11-17405514-CA-C. GRCh37 (hg19) VCF-style: chr11-17427061-CA-C.
Other names: c.3381del, p.Asp1128fs (NM_001287174.3); c.3444del, p.Asp1149fs (NM_001351295.2); c.3378del, p.Asp1127fs (NM_001351296.2); c.3375del, p.Asp1126fs (NM_001351297.2); short protein forms D1149fs, D1126fs, D1127fs, D1128fs.
Identifiers: ClinVar variation 939893 (VCV000939893.9), dbSNP rs1954474111, ClinGen allele CA1139661852.
Genomic context (GRCh38, chr11:17,405,514, plus strand): 5'-GTCTCTGGAAGGGGGGATAGTGTGGCACGGTCCTCTGTACCTGGTCGATGGTGTTACAGT[CA>C]GATGAAAATCTGTTCAGGATGCTCCCAAGGGGCGTGGTCTCAAAAAACCTAAGAGGCAGC-3'